The following is an entry in ClinVar:

ClinVar aggregate classification (germline): Uncertain significance (1 of 4 stars; one submission).

gnomAD v4.1: 1 of 1,156,910 alleles (0.000086%); highest among the groups gnomAD compares: Admixed American, 0.0026%; no homozygotes.

Submission:

GeneDx
Classification: Uncertain significance. Last evaluated: 2022-01-21. Review status: criteria provided, single submitter. Criteria: GeneDx Variant Classification Process June 2021. Collection method: clinical testing. Allele origin: germline. Affected: yes.
Comment: Not observed at significant frequency in large population cohorts (gnomAD); In silico analysis supports that this missense variant does not alter protein structure/function; Has not been previously published as pathogenic or benign to our knowledge

NM_001184896.1(PHF8):c.9G>C (p.Arg3Ser)

Genes: PHF8 (PHD finger protein 8; minus strand), LOC130068319 (ATAC-STARR-seq lymphoblastoid active region 29669; plus strand). Cytogenetic location: Xp11.22.
Variant type: single nucleotide variant.
Coding change: c.9G>C on transcript NM_001184896.1; coding-DNA position 9, G replaced by C.
Protein change: p.Arg3Ser; replaces arginine 3 with serine.
Molecular consequence: missense variant.
Genome position (GRCh38, 1-based): chrX:54,044,882, C>G on the plus strand (G>C on the coding strand, the complement: PHF8 is on the minus strand). VCF-style: chrX-54044882-C-G. GRCh37 (hg19) VCF-style: chrX-54071315-C-G.
Other names: c.9G>C, p.Arg3Ser (NM_001441096.1, NM_001441097.1, NM_001441098.1); short protein forms R3S.
Identifiers: ClinVar variation 1698048 (VCV001698048.2), dbSNP rs1358566504, ClinGen allele CA413250501.